The following is an entry in ClinVar:

ClinVar aggregate classification (germline): Pathogenic. Review status: criteria provided, single submitter (1 of 4 stars). 2 submissions from 2 submitters: Pathogenic (1). 1 of the submissions does not count toward it. Last evaluated 2022-05-06.

Conditions:
Microcephaly, normal intelligence and immunodeficiency (NBS). Also called: Microcephaly with normal intelligence immunodeficiency and lymphoreticular malignancies; Nonsyndromal microcephaly autosomal recessive with normal intelligence; Seemanova syndrome 2; IMMUNODEFICIENCY, MICROCEPHALY, AND CHROMOSOMAL INSTABILITY; BERLIN BREAKAGE SYNDROME; SEEMANOVA SYNDROME II. Identifiers: Orphanet 647, MedGen C0398791, MONDO:0009623, OMIM 251260.

Submissions (2):

Labcorp Genetics (formerly Invitae), Labcorp
Classification: Pathogenic for Microcephaly, normal intelligence and immunodeficiency. Last evaluated: 2022-05-06. Review status: criteria provided, single submitter. Criteria: Invitae Variant Classification Sherloc (09022015). Collection method: clinical testing. Allele origin: germline.
Comment: This variant is not present in population databases (gnomAD no frequency). For these reasons, this variant has been classified as Pathogenic. ClinVar contains an entry for this variant (Variation ID: 375605). This variant has not been reported in the literature in individuals affected with NBN-related conditions. This sequence change creates a premature translational stop signal (p.Trp375*) in the NBN gene. It is expected to result in an absent or disrupted protein product. Loss-of-function variants in NBN are known to be pathogenic (PMID: 9590180, 16415040).

GeneReviews
No classification provided. Condition: Microcephaly, normal intelligence and immunodeficiency. Review status: no classification provided. Collection method: literature only. Allele origin: germline. Not counted in ClinVar's aggregate classification.

Literature cited by the submitters: PubMed 9590180 (cited by Labcorp Genetics (formerly Invitae), Labcorp); PubMed 16415040 (cited by Labcorp Genetics (formerly Invitae), Labcorp); PubMed 19105185 (cited by GeneReviews); NCBI Bookshelf NBK1176 (cited by GeneReviews).

NM_002485.5(NBN):c.1125G>A (p.Trp375Ter)

Gene: NBN (nibrin; minus strand). Cytogenetic location: 8q21.3.
Variant type: single nucleotide variant.
Coding change: c.1125G>A on transcript NM_002485.5 (MANE Select); coding-DNA position 1125, G replaced by A.
Protein change: p.Trp375Ter; replaces tryptophan 375 with a stop codon.
Molecular consequence: nonsense.
Genome position (GRCh38, 1-based): chr8:89,955,555, C>T on the plus strand (G>A on the coding strand, the complement: NBN is on the minus strand). VCF-style: chr8-89955555-C-T. GRCh37 (hg19) VCF-style: chr8-90967783-C-T.
Other names: c.879G>A, p.Trp293Ter (NM_001024688.3); short protein forms W293*.
Identifiers: ClinVar variation 375605 (VCV000375605.8), dbSNP rs1057519588, ClinGen allele CA16044374.